The following is an entry in ClinVar:

ClinVar aggregate classification (germline): Uncertain significance. Review status: criteria provided, multiple submitters, no conflicts (2 of 4 stars). 2 submissions from 2 submitters: Uncertain significance (2). Last evaluated 2026-02-01.

gnomAD v4.1: 93 of 1,613,982 alleles (0.0058%); highest among the groups gnomAD compares: Non-Finnish European, 0.0079%; no homozygotes.

Submissions (2):

Labcorp Genetics (formerly Invitae), Labcorp
Classification: Uncertain significance. Last evaluated: 2026-02-01. Review status: criteria provided, single submitter. Criteria: Invitae Variant Classification Sherloc (09022015). Collection method: clinical testing. Allele origin: germline.
Comment: This sequence change replaces leucine, which is neutral and non-polar, with tryptophan, which is neutral and slightly polar, at codon 1815 of the SPTA1 protein (p.Leu1815Trp). This variant is present in population databases (rs367644017, gnomAD 0.004%). This variant has not been reported in the literature in individuals affected with SPTA1-related conditions. ClinVar contains an entry for this variant (Variation ID: 3766825). Invitae Evidence Modeling of protein sequence and biophysical properties (such as structural, functional, and spatial information, amino acid conservation, physicochemical variation, residue mobility, and thermodynamic stability) indicates that this missense variant is expected to disrupt SPTA1 protein function with a positive predictive value of 80%. Algorithms developed to predict the effect of sequence changes on RNA splicing suggest that this variant may disrupt the consensus splice site. In summary, the available evidence is currently insufficient to determine the role of this variant in disease. Therefore, it has been classified as a Variant of Uncertain Significance.

ARUP Laboratories, Molecular Genetics and Genomics, ARUP Laboratories
Classification: Uncertain significance. Last evaluated: 2024-09-10. Review status: criteria provided, single submitter. Criteria: ARUP Molecular Germline Variant Investigation Process 2024. Collection method: clinical testing. Allele origin: germline.
Comment: The SPTA1 c.5444T>G; p.Leu1815Trp variant (rs367644017), to our knowledge, is not reported in the medical literature or gene specific databases. This variant is only observed on one allele in the Genome Aggregation Database (v2.1.1), indicating it is not a common polymorphism. Computational analyses are uncertain whether this variant is neutral or deleterious (REVEL: 0.665). Due to limited information, the clinical significance of this variant is uncertain at this time.

NM_003126.4(SPTA1):c.5444T>G (p.Leu1815Trp)

Gene: SPTA1 (spectrin alpha, erythrocytic 1; minus strand). Cytogenetic location: 1q23.1.
Variant type: single nucleotide variant.
Coding change: c.5444T>G on transcript NM_003126.4 (MANE Select); coding-DNA position 5444, T replaced by G.
Protein change: p.Leu1815Trp; replaces leucine 1815 with tryptophan.
Molecular consequence: missense variant.
Genome position (GRCh38, 1-based): chr1:158,634,664, A>C on the plus strand (T>G on the coding strand, the complement: SPTA1 is on the minus strand). VCF-style: chr1-158634664-A-C. GRCh37 (hg19) VCF-style: chr1-158604454-A-C.
Other names: short protein forms L1815W.
Identifiers: ClinVar variation 3766825 (VCV003766825.2).